The following is an entry in ClinVar:

ClinVar aggregate classification (germline): Uncertain significance (1 of 4 stars; one submission).

Submission:

GeneDx
Classification: Uncertain significance. Last evaluated: 2020-01-10. Review status: criteria provided, single submitter. Criteria: GeneDx Variant Classification Process June 2021. Collection method: clinical testing. Allele origin: germline. Affected: yes.
Comment: Not observed in large population cohorts (Lek et al., 2016); In silico analysis, which includes protein predictors and evolutionary conservation, supports a deleterious effect; Has not been previously published as pathogenic or benign to our knowledge

NM_138694.4(PKHD1):c.2270T>G (p.Ile757Ser)

Gene: PKHD1 (PKHD1 ciliary IPT domain containing fibrocystin/polyductin; minus strand). Cytogenetic location: 6p12.2.
Variant type: single nucleotide variant.
Coding change: c.2270T>G on transcript NM_138694.4 (MANE Select); coding-DNA position 2270, T replaced by G.
Protein change: p.Ile757Ser; replaces isoleucine 757 with serine.
Molecular consequence: missense variant.
Genome position (GRCh38, 1-based): chr6:52,050,166, A>C on the plus strand (T>G on the coding strand, the complement: PKHD1 is on the minus strand). VCF-style: chr6-52050166-A-C. GRCh37 (hg19) VCF-style: chr6-51914964-A-C.
Other names: c.2270T>G, p.Ile757Ser (NM_170724.3); short protein forms I757S.
Identifiers: ClinVar variation 1312424 (VCV001312424.2), dbSNP rs2128196372, ClinGen allele CA364443707.